The following is an entry in ClinVar:

ClinVar aggregate classification (germline): Uncertain significance. Review status: criteria provided, multiple submitters, no conflicts (2 of 4 stars). 3 submissions from 3 submitters: Uncertain significance (2). 1 of the submissions does not count toward it. Last evaluated 2025-05-16.

Conditions:
Inborn genetic diseases. Identifiers: MedGen C0950123, MeSH D030342.
Zellweger spectrum disorders (ZS). Also called: Zellweger Spectrum Disorder (ZSD); Zellweger syndrome; Zellweger Spectrum Disorder; Zellweger Spectrum. Identifiers: Orphanet 912, MedGen C0043459, MONDO:0019609.
Peroxisome biogenesis disorder, complementation group 7 (CG7). Also called: Peroxisome biogenesis disorder, complementation group B. Identifiers: MedGen C1864399.

Allele frequency attached by ClinVar (database versions not stated): TOPMed below 0.00001; gnomAD 0.00001; gnomAD exomes 0.00001 and 0.00002.
gnomAD v4.1: 16 of 1,610,642 alleles (0.00099%); highest among the groups gnomAD compares: Middle Eastern, 0.05%; no homozygotes.

Submissions (3):

Ambry Genetics
Classification: Uncertain significance for Inborn genetic diseases. Last evaluated: 2025-05-16. Review status: criteria provided, single submitter. Criteria: Ambry Variant Classification Scheme 2023. Collection method: clinical testing. Allele origin: germline.

Labcorp Genetics (formerly Invitae), Labcorp
Classification: Uncertain significance for Peroxisome biogenesis disorder, complementation group 7. Last evaluated: 2024-11-11. Review status: criteria provided, single submitter. Criteria: Invitae Variant Classification Sherloc (09022015). Collection method: clinical testing. Allele origin: germline.
Comment: This sequence change replaces arginine, which is basic and polar, with cysteine, which is neutral and slightly polar, at codon 146 of the PEX10 protein (p.Arg146Cys). This variant is present in population databases (no rsID available, gnomAD 0.009%). This variant has not been reported in the literature in individuals affected with PEX10-related conditions. ClinVar contains an entry for this variant (Variation ID: 836691). An algorithm developed to predict the effect of missense changes on protein structure and function (PolyPhen-2) suggests that this variant is likely to be disruptive. In summary, the available evidence is currently insufficient to determine the role of this variant in disease. Therefore, it has been classified as a Variant of Uncertain Significance.

Natera, Inc.
Classification: Uncertain significance for Zellweger syndrome. Last evaluated: 2020-12-23. Review status: no assertion criteria provided. Collection method: clinical testing. Allele origin: germline. Not counted in ClinVar's aggregate classification.

NM_002617.4(PEX10):c.436C>T (p.Arg146Cys)

Gene: PEX10 (peroxisomal biogenesis factor 10; minus strand). Cytogenetic location: 1p36.32.
Variant type: single nucleotide variant.
Coding change: c.436C>T on transcript NM_002617.4 (MANE Select); coding-DNA position 436, C replaced by T.
Protein change: p.Arg146Cys; replaces arginine 146 with cysteine.
Molecular consequence: missense variant. On other transcripts: non-coding transcript variant (1).
Genome position (GRCh38, 1-based): chr1:2,408,616, G>A on the plus strand (C>T on the coding strand, the complement: PEX10 is on the minus strand). VCF-style: chr1-2408616-G-A. GRCh37 (hg19) VCF-style: chr1-2340055-G-A.
Other names: c.436C>T, p.Arg146Cys (NM_001374425.1, NM_153818.2); c.4C>T, p.Arg2Cys (NM_001374426.1, NM_001374427.1); short protein forms R146C, R2C.
Identifiers: ClinVar variation 836691 (VCV000836691.7), dbSNP rs1184194956, ClinGen allele CA337987835.
Genomic context (GRCh38, chr1:2,408,616, plus strand): 5'-CGAAGACCGCCCGCAGCAGCGCCCTCCTCTGCTGCTCAGTCAGGGTGGCCGTGTGGTGAC[G>A]CATCCAGCGCCGCGCCCCTGAGCAGCCACGCCCACCTGGCCCCAGGCTCCCCTGCAAGGG-3'
Protein context (NP_002608.1, residues 136-156): RGCSGARRWM[Arg146Cys]HHTATLTEQQ